The following is an entry in ClinVar:

NM_001134407.3(GRIN2A):c.4224G>A (p.Thr1408=)

Gene: GRIN2A (glutamate ionotropic receptor NMDA type subunit 2A; minus strand). Cytogenetic location: 16p13.2.
Variant type: single nucleotide variant.
Coding change: c.4224G>A on transcript NM_001134407.3 (MANE Select); coding-DNA position 4224, G replaced by A.
Protein change: p.Thr1408=; no amino-acid change (threonine 1408 retained).
Molecular consequence: synonymous variant. On other transcripts: 3 prime UTR variant (1).
Genome position (GRCh38, 1-based): chr16:9,763,320, C>T on the plus strand (G>A on the coding strand, the complement: GRIN2A is on the minus strand). VCF-style: chr16-9763320-C-T. GRCh37 (hg19) VCF-style: chr16-9857177-C-T.
Other names: c.4224G>A, p.Thr1408= (NM_000833.5); c.*35G>A (NM_001134408.2); c.4224G>A (NM_000833.4).
Identifiers: ClinVar variation 1089372 (VCV001089372.15), dbSNP rs773175225, ClinGen allele CA7896193.

ClinVar aggregate classification (germline): Likely benign. Review status: criteria provided, multiple submitters, no conflicts (2 of 4 stars). 3 submissions from 3 submitters: Likely benign (2). 1 of the submissions does not count toward it. Last evaluated 2025-12-21.

Conditions:
GRIN2A-related complex neurodevelopmental disorder. Also called: GRIN2A-related disorder; GRIN2A-related condition. Identifiers: MedGen CN379781, MONDO:1060139.
Landau-Kleffner syndrome (FESD). Also called: EPILEPSY, FOCAL, WITH SPEECH DISORDER AND WITH OR WITHOUT MENTAL RETARDATION; APHASIA, ACQUIRED, WITH EPILEPSY. Identifiers: Orphanet 1945, Orphanet 725, Orphanet 98818, MedGen C0282512, MONDO:0009509, OMIM 245570.

Allele frequency attached by ClinVar (database versions not stated): gnomAD exomes below 0.00001; gnomAD 0.00001; ExAC 0.00001; TOPMed 0.00002.
gnomAD v4.1: 17 of 1,614,018 alleles (0.0011%); highest among the groups gnomAD compares: Non-Finnish European, 0.0013%; no homozygotes.

Submissions (3):

Labcorp Genetics (formerly Invitae), Labcorp
Classification: Likely benign for Landau-Kleffner syndrome. Last evaluated: 2025-12-21. Review status: criteria provided, single submitter. Criteria: Invitae Variant Classification Sherloc (09022015). Collection method: clinical testing. Allele origin: germline.

Blueprint Genetics
Classification: Likely benign. Last evaluated: 2023-11-16. Review status: criteria provided, single submitter. Criteria: ACMG Guidelines, 2015. Collection method: clinical testing. Allele origin: germline.

PreventionGenetics, part of Exact Sciences
Classification: Likely benign for GRIN2A-related condition. Last evaluated: 2019-09-10. Review status: no assertion criteria provided. Collection method: clinical testing. Allele origin: germline. Not counted in ClinVar's aggregate classification.
Comment: This variant is classified as likely benign based on ACMG/AMP sequence variant interpretation guidelines (Richards et al. 2015 PMID: 25741868, with internal and published modifications).